The following is an entry in ClinVar:

NM_001943.5(DSG2):c.867A>T (p.Glu289Asp)

Gene: DSG2 (desmoglein 2; plus strand). Cytogenetic location: 18q12.1.
Variant type: single nucleotide variant.
Coding change: c.867A>T on transcript NM_001943.5 (MANE Select); coding-DNA position 867, A replaced by T.
Protein change: p.Glu289Asp; replaces glutamic acid 289 with aspartic acid.
Molecular consequence: missense variant.
Genome position (GRCh38, 1-based): chr18:31,524,741, A>T. VCF-style: chr18-31524741-A-T. GRCh37 (hg19) VCF-style: chr18-29104704-A-T.
Other names: c.867A>T (NM_001943.3); short protein forms E289D.
Identifiers: ClinVar variation 1332475 (VCV001332475.4), dbSNP rs2144322724, ClinGen allele CA402135499.
Genomic context (GRCh38, chr18:31,524,741, plus strand): 5'-ATCATGTGTTCATGTTTTGCAGCTTGAAGGGATGGTTGAAGAAAATCAAGTCAACGTAGA[A>T]GTTACGCGCATAAAAGTGTTCGATGCAGATGAAATAGGTTCTGATAATTGGCTGGCAAAT-3'
Protein context (NP_001934.2, residues 279-299): GMVEENQVNV[Glu289Asp]VTRIKVFDAD

ClinVar aggregate classification (germline): Uncertain significance. Review status: criteria provided, multiple submitters, no conflicts (2 of 4 stars). 3 submissions from 3 submitters: Uncertain significance (3). Last evaluated 2026-07-02.

Conditions:
Cardiovascular phenotype. Identifiers: MedGen CN230736.
Cardiomyopathy (CMYO). Also called: Cardiomyopathies. Identifiers: Orphanet 167848, MedGen C0878544, MONDO:0004994, HP:0001638. Inheritance: Various modes of inheritance.

Submissions (3):

Ambry Genetics
Classification: Uncertain significance for Cardiovascular phenotype. Last evaluated: 2026-07-02. Review status: criteria provided, single submitter. Criteria: Ambry Variant Classification Scheme 2023. Collection method: clinical testing. Allele origin: germline.
Comment: The p.E289D variant (also known as c.867A>T), located in coding exon 8 of the DSG2 gene, results from an A to T substitution at nucleotide position 867. The glutamic acid at codon 289 is replaced by aspartic acid, an amino acid with highly similar properties. This amino acid position is conserved. In addition, this alteration is predicted to be tolerated by in silico analysis. Based on the available evidence, the clinical significance of this variant remains unclear.

Molecular Diagnostic Laboratory for Inherited Cardiovascular Disease, Montreal Heart Institute
Classification: Uncertain significance for Cardiovascular phenotype. Last evaluated: 2025-04-09. Review status: criteria provided, single submitter. Criteria: ACMG Guidelines, 2015. Collection method: clinical testing. Allele origin: germline. Affected: yes.

Color Diagnostics, LLC DBA Color Health
Classification: Uncertain significance for Cardiomyopathy. Last evaluated: 2024-03-06. Review status: criteria provided, single submitter. Criteria: ACMG Guidelines, 2015. Collection method: clinical testing. Allele origin: germline.
Comment: This missense variant replaces glutamic acid with aspartic acid at codon 289 of the DSG2 protein. Computational prediction suggests that this variant may not impact protein structure and function (internally defined REVEL score threshold <= 0.5, PMID: 27666373). To our knowledge, functional studies have not been reported for this variant. This variant has not been reported in individuals affected with cardiovascular disorders in the literature. This variant has not been identified in the general population by the Genome Aggregation Database (gnomAD). The available evidence is insufficient to determine the role of this variant in disease conclusively. Therefore, this variant is classified as a Variant of Uncertain Significance.